The following is an entry in ClinVar:

NC_000016.9:g.(?_89556653)_(89851392_?)dup

Genes: ANKRD11 (ankyrin repeat domain containing 11; minus strand), CDK10 (cyclin dependent kinase 10; plus strand), CHMP1A (charged multivesicular body protein 1A; minus strand), CPNE7 (copine 7; plus strand), DPEP1 (dipeptidase 1; plus strand) and 7 more. Cytogenetic location: 16q24.3.
Variant type: Duplication.
Identifiers: ClinVar variation 2422422 (VCV002422422.3).

ClinVar aggregate classification (germline): Uncertain significance (1 of 4 stars; one submission).

Conditions:
Fanconi anemia (FA). Also called: Fanconi's anemia. Identifiers: Orphanet 84, MedGen C0015625, MeSH D005199, MONDO:0019391.

Submission:

Labcorp Genetics (formerly Invitae), Labcorp
Classification: Uncertain significance for Fanconi anemia. Last evaluated: 2022-03-04. Review status: criteria provided, single submitter. Criteria: Invitae Variant Classification Sherloc (09022015). Collection method: clinical testing. Allele origin: germline.
Comment: This variant results in a copy number gain of the genomic region encompassing exon(s) 15-43 of the FANCA gene. This region includes the termination codon of the gene. This copy number gain extends beyond the assayed region for this gene and therefore may encompass additional genes. As the precise location of this event is unknown, it may be in tandem or it may be located elsewhere in the genome. This variant has not been reported in the literature in individuals affected with FANCA-related conditions. Experimental studies and prediction algorithms are not available or were not evaluated, and the functional significance of this variant is currently unknown. In summary, the available evidence is currently insufficient to determine the role of this variant in disease. Therefore, it has been classified as a Variant of Uncertain Significance.